The following is an entry in ClinVar:

ClinVar aggregate classification (germline): Pathogenic (1 of 4 stars; one submission).

Conditions:
Hereditary cancer-predisposing syndrome. Also called: Neoplastic Syndromes, Hereditary; Tumor predisposition; Hereditary Cancer Syndrome; Hereditary neoplastic syndrome. Identifiers: Orphanet 140162, MedGen C0027672, MeSH D009386, MONDO:0015356.

Submission:

Ambry Genetics
Classification: Pathogenic for Hereditary cancer-predisposing syndrome. Last evaluated: 2017-04-27. Review status: criteria provided, single submitter. Criteria: Ambry Variant Classification Scheme 2023. Collection method: clinical testing. Allele origin: germline.
Comment: The c.1751delA pathogenic mutation, located in coding exon 9 of the DICER1 gene, results from a deletion of one nucleotide at nucleotide position 1751, causing a translational frameshift with a predicted alternate stop codon (p.K584Rfs*3). This alteration is expected to result in loss of function by premature protein truncation or nonsense-mediated mRNA decay. As such, this alteration is interpreted as a disease-causing mutation.

NM_177438.3(DICER1):c.1751del (p.Lys584fs)

Gene: DICER1 (dicer 1, ribonuclease III; minus strand). Cytogenetic location: 14q32.13.
Variant type: Deletion.
Coding change: c.1751del on transcript NM_177438.3 (MANE Select); coding-DNA position 1751, one base deleted (A; older notation c.1751delA).
Protein change: p.Lys584fs; shifts the reading frame from lysine 584.
Molecular consequence: frameshift variant. On other transcripts: non-coding transcript variant (6).
Genome position (GRCh38, 1-based): chr14:95,116,454, T deleted on the plus strand (A on the coding strand, the reverse complement: DICER1 is on the minus strand); the first of 4 consecutive T bases (chr14:95,116,454-95,116,457); deleting any one gives the same sequence. VCF-style (leftmost placement, unchanged base first): chr14-95116453-CT-C. GRCh37 (hg19) VCF-style: chr14-95582790-CT-C.
Other names: c.1751del, p.Lys584fs (NM_001195573.1, NM_001271282.3, NM_001291628.2 and 12 more transcripts); c.1748delA, p.Lys584Argfs (NM_001395681.1); c.1469del, p.Lys490fs (NM_001395686.1); c.1346del, p.Lys449fs (NM_001395687.1, NM_001395688.1, NM_001395689.1 and 3 more transcripts); c.1184del, p.Lys395fs (NM_001395691.1); c.68del, p.Lys23fs (NM_001395697.1); c.1751delA (NM_177438.2); short protein forms K584fs, K23fs, K490fs, K395fs, K449fs.
Identifiers: ClinVar variation 1779404 (VCV001779404.2), dbSNP rs2140122641, ClinGen allele CA2580089027.